The following is an entry in ClinVar:

NM_000540.3(RYR1):c.14570T>C (p.Phe4857Ser)

Gene: RYR1 (ryanodine receptor 1; plus strand). Cytogenetic location: 19q13.2.
Variant type: single nucleotide variant.
Coding change: c.14570T>C on transcript NM_000540.3 (MANE Select); coding-DNA position 14570, T replaced by C.
Protein change: p.Phe4857Ser; replaces phenylalanine 4857 with serine.
Molecular consequence: missense variant.
Genome position (GRCh38, 1-based): chr19:38,580,428, T>C. VCF-style: chr19-38580428-T-C. GRCh37 (hg19) VCF-style: chr19-39071068-T-C.
Other names: c.14555T>C, p.Phe4852Ser (NM_001042723.2); short protein forms F4857S, F4852S.
Identifiers: ClinVar variation 840563 (VCV000840563.9), dbSNP rs1974148669, ClinGen allele CA405687723.

ClinVar aggregate classification (germline): Pathogenic (1 of 4 stars; one submission).

Conditions:
RYR1-related disorder. Also called: RYR1-related disorders; RYR1-related condition. Identifiers: MedGen CN239331.

Submission:

Labcorp Genetics (formerly Invitae), Labcorp
Classification: Pathogenic for RYR1-related disorder. Last evaluated: 2019-12-11. Review status: criteria provided, single submitter. Criteria: Invitae Variant Classification Sherloc (09022015). Collection method: clinical testing. Allele origin: germline.
Comment: This missense change is located in a region of the RYR1 protein where a significant number of previously reported RYR1 missense mutations are found (PMID: 16084090). These observations suggest that this may be a clinically significant region of the protein. This variant has been reported to affect RYR1 protein function (PMID: 28527222). This variant has been observed in individual(s) with central core disease (PMID: 28527222). In at least one individual the variant was observed to be de novo. This variant is not present in population databases (ExAC no frequency). This sequence change replaces phenylalanine with serine at codon 4857 of the RYR1 protein (p.Phe4857Ser). The phenylalanine residue is highly conserved and there is a large physicochemical difference between phenylalanine and serine. For these reasons, this variant has been classified as Pathogenic.

Literature cited by the submitters: PubMed 16084090; PubMed 28527222.